The following is an entry in ClinVar:

ClinVar aggregate classification (germline): Uncertain significance (1 of 4 stars; one submission).

Submission:

Women's Health and Genetics/Laboratory Corporation of America, LabCorp
Classification: Uncertain significance. Last evaluated: 2026-04-03. Review status: criteria provided, single submitter. Criteria: LabCorp Variant Classification Summary - May 2015. Collection method: clinical testing. Allele origin: germline.
Comment: Variant summary: DDB1 c.2579C>T (p.Thr860Ile) results in a non-conservative amino acid change in the encoded protein sequence. Algorithms developed to predict the effect of missense changes on protein structure and function are either unavailable or do not agree on the potential impact of this missense change. The variant was absent in 251470 control chromosomes. The available data on variant occurrences in the general population are insufficient to allow any conclusion about variant significance. To our knowledge, no occurrence of c.2579C>T in individuals affected with DDB1-related conditions and no experimental evidence demonstrating its impact on protein function have been reported. No submitters have cited clinical-significance assessments for this variant to ClinVar. Based on the evidence outlined above, the variant was classified as uncertain significance.

NM_001923.5(DDB1):c.2579C>T (p.Thr860Ile)

Gene: DDB1 (damage specific DNA binding protein 1; minus strand). Cytogenetic location: 11q12.2.
Variant type: single nucleotide variant.
Coding change: c.2579C>T on transcript NM_001923.5 (MANE Select); coding-DNA position 2579, C replaced by T.
Protein change: p.Thr860Ile; replaces threonine 860 with isoleucine.
Molecular consequence: missense variant.
Genome position (GRCh38, 1-based): chr11:61,309,065, G>A on the plus strand (C>T on the coding strand, the complement: DDB1 is on the minus strand). VCF-style: chr11-61309065-G-A. GRCh37 (hg19) VCF-style: chr11-61076537-G-A.
Other names: short protein forms T860I.
Identifiers: ClinVar variation 4848925 (VCV004848925.1).